The following is an entry in ClinVar:

NM_007059.4(KPTN):c.776C>A (p.Ser259Ter)

Gene: KPTN (kaptin, actin binding protein; minus strand). Cytogenetic location: 19q13.32.
Variant type: single nucleotide variant.
Coding change: c.776C>A on transcript NM_007059.4 (MANE Select); coding-DNA position 776, C replaced by A.
Protein change: p.Ser259Ter; replaces serine 259 with a stop codon.
Molecular consequence: nonsense. On other transcripts: non-coding transcript variant (1).
Genome position (GRCh38, 1-based): chr19:47,479,874, G>T on the plus strand (C>A on the coding strand, the complement: KPTN is on the minus strand). VCF-style: chr19-47479874-G-T. GRCh37 (hg19) VCF-style: chr19-47983131-G-T.
Other names: c.608C>A, p.Ser203Ter (NM_001291296.2); short protein forms S259*, S203*.
Identifiers: ClinVar variation 100679 (VCV000100679.41), dbSNP rs374298314, ClinGen allele CA150620.
Genomic context (GRCh38, chr19:47,479,874, plus strand): 5'-TCTTCCCTCCCACCCGCTCTCTCCCCATCCCCTCAAACCCAGAGCTCACCCTTGGCGGCC[G>T]AGAGGCTGAACACAATCACTCGGGAGATGGGACCGTCCTGCAGGACCGACCACATCTGCA-3'

ClinVar aggregate classification (germline): Pathogenic. Review status: criteria provided, multiple submitters, no conflicts (2 of 4 stars). 11 submissions from 11 submitters: Pathogenic (9). 2 of the submissions do not count toward it. Last evaluated 2025-03-19.

Conditions:
KPTN-related disorder. Also called: KPTN-related condition. Identifiers: MedGen CN381532.
Inborn genetic diseases. Identifiers: MedGen C0950123, MeSH D030342.
Macrocephaly-developmental delay syndrome (MRT41). Also called: INTELLECTUAL DEVELOPMENTAL DISORDER, AUTOSOMAL RECESSIVE 41. Identifiers: Orphanet 397612, MedGen C3810225, MONDO:0014289, OMIM 615637.

Allele frequency attached by ClinVar (database versions not stated): gnomAD 0.00005 and 0.00011; ESP Exome Variant Server 0.00016; TOPMed 0.00022.
gnomAD v4.1: 60 of 1,612,636 alleles (0.0037%); highest among the groups gnomAD compares: Non-Finnish European, 0.0038%; no homozygotes.

Submissions (11):

Women's Health and Genetics/Laboratory Corporation of America, LabCorp
Classification: Pathogenic for Macrocephaly-developmental delay syndrome. Last evaluated: 2025-03-19. Review status: criteria provided, single submitter. Criteria: LabCorp Variant Classification Summary - May 2015. Collection method: clinical testing. Allele origin: germline.
Comment: Variant summary: KPTN c.776C>A (p.Ser259X) results in a premature termination codon, predicted to cause a truncation of the encoded protein or absence of the protein due to nonsense mediated decay, which are commonly known mechanisms for disease. The variant allele was found at a frequency of 4.4e-05 in 248410 control chromosomes (gnomAD). This frequency is not significantly higher than estimated for a pathogenic variant in KPTN causing Macrocephaly-Developmental Delay Syndrome, allowing no conclusion about variant significance. c.776C>A has been reported in the literature in multiple individuals affected with Macrocephaly-Developmental Delay Syndrome (Baple_2014). These data indicate that the variant is very likely to be associated with disease. To our knowledge, no experimental evidence demonstrating an impact on protein function has been reported. The following publication have been ascertained in the context of this evaluation (PMID: 24239382). ClinVar contains an entry for this variant (Variation ID: 100679). Based on the evidence outlined above, the variant was classified as pathogenic.

Labcorp Genetics (formerly Invitae), Labcorp
Classification: Pathogenic for Macrocephaly-developmental delay syndrome. Last evaluated: 2024-11-05. Review status: criteria provided, single submitter. Criteria: Invitae Variant Classification Sherloc (09022015). Collection method: clinical testing. Allele origin: germline.
Comment: This sequence change creates a premature translational stop signal (p.Ser259*) in the KPTN gene. It is expected to result in an absent or disrupted protein product. Loss-of-function variants in KPTN are known to be pathogenic (PMID: 24239382, 25847626). This variant is present in population databases (rs374298314, gnomAD 0.009%). This premature translational stop signal has been observed in individual(s) with KPTN-related conditions (PMID: 24239382). ClinVar contains an entry for this variant (Variation ID: 100679). For these reasons, this variant has been classified as Pathogenic.

Blueprint Genetics
Classification: Pathogenic for KPTN-related disorders. Last evaluated: 2024-06-07. Review status: criteria provided, single submitter. Criteria: ACMG Guidelines, 2015. Collection method: clinical testing. Allele origin: germline. Affected: yes. Observed: 4 variant alleles.

Greenwood Genetic Center Diagnostic Laboratories, Greenwood Genetic Center
Classification: Pathogenic for Macrocephaly-developmental delay syndrome. Last evaluated: 2023-08-31. Review status: criteria provided, single submitter. Criteria: ACMG Guidelines, 2015. Collection method: clinical testing. Allele origin: germline. Affected: yes.
Comment: PVS1, PS3, PM2, PM3

Ambry Genetics
Classification: Pathogenic for Inborn genetic diseases. Last evaluated: 2023-07-10. Review status: criteria provided, single submitter. Criteria: Ambry Variant Classification Scheme 2023. Collection method: clinical testing. Allele origin: germline.
Comment: The c.776C>A (p.S259*) alteration, located in exon 8 (coding exon 8) of the KPTN gene, consists of a C to A substitution at nucleotide position 776. This changes the amino acid from a serine (S) to a stop codon at amino acid position 259. This alteration is expected to result in loss of function by premature protein truncation or nonsense-mediated mRNA decay. Based on data from gnomAD, the A allele has an overall frequency of 0.005% (13/279700) total alleles studied. The highest observed frequency was 0.008% (10/128092) of European (non-Finnish) alleles. This variant has been reported in a homozygous state and in trans with a second KPTN variant in multiple individuals with clinical features of KPTN-related neurodevelopmental disorder (Baple, 2014). Based on the available evidence, this alteration is classified as pathogenic.

CeGaT Center for Human Genetics Tuebingen
Classification: Pathogenic. Last evaluated: 2023-07-01. Review status: criteria provided, single submitter. Criteria: CeGaT Center For Human Genetics Tuebingen Variant Classification Criteria Version 2. Collection method: clinical testing. Allele origin: germline. Affected: yes. Observed: 1 variant allele.
Comment: KPTN: PM3:Very Strong, PVS1, PM2

GeneDx
Classification: Pathogenic. Last evaluated: 2022-05-13. Review status: criteria provided, single submitter. Criteria: GeneDx Variant Classification Process June 2021. Collection method: clinical testing. Allele origin: germline. Affected: yes.
Comment: Published functional studies demonstrate a damaging effect: improper localization of the kaptin protein (Baple et al., 2014); Nonsense variant predicted to result in protein truncation or nonsense mediated decay in a gene for which loss-of-function is a known mechanism of disease; This variant is associated with the following publications: (PMID: 33144682, 32358097, 24239382, 31028937, 31999056, 32808430)

Institute of Medical Genetics and Applied Genomics, University Hospital Tübingen
Classification: Pathogenic. Last evaluated: 2020-10-23. Review status: criteria provided, single submitter. Criteria: ACMG Guidelines, 2015. Collection method: clinical testing. Allele origin: germline. Inheritance: Unknown mechanism. Affected: yes.

Institute of Human Genetics Munich, TUM University Hospital
Classification: Pathogenic for Macrocephaly-developmental delay syndrome. Last evaluated: 2019-06-11. Review status: criteria provided, single submitter. Criteria: Classification criteria August 2017. Collection method: clinical testing. Allele origin: inherited. Inheritance: Autosomal recessive inheritance. Affected: yes. Observed: 1 homozygote.

PreventionGenetics, part of Exact Sciences
Classification: Pathogenic for KPTN-related condition. Last evaluated: 2024-07-16. Review status: no assertion criteria provided. Collection method: clinical testing. Allele origin: germline. Not counted in ClinVar's aggregate classification.
Comment: The KPTN c.776C>A variant is predicted to result in premature protein termination (p.Ser259*). This variant has been reported as homozygous in an individual with macrocephaly, neurodevelopmental delay and seizures (Baple et al 2014. PubMed ID: 24239382). This variant is reported in 0.0078% of alleles in individuals of European (Non-Finnish) descent in gnomAD. Nonsense variants in KPTN are expected to be pathogenic. This variant is interpreted as pathogenic.

OMIM
Classification: Pathogenic for INTELLECTUAL DEVELOPMENTAL DISORDER, AUTOSOMAL RECESSIVE 41. Last evaluated: 2014-01-02. Review status: no assertion criteria provided. Collection method: literature only. Allele origin: germline. Not counted in ClinVar's aggregate classification.

Literature cited by the submitters: PubMed 24239382 (cited by 4 submitters); PubMed 25847626 (cited by Labcorp Genetics (formerly Invitae), Labcorp).